The following is an entry in ClinVar:

ClinVar aggregate classification (germline): Uncertain significance. Review status: criteria provided, multiple submitters, no conflicts (2 of 4 stars). 2 submissions from 2 submitters: Uncertain significance (2). Last evaluated 2026-07-02.

Conditions:
Hereditary cancer-predisposing syndrome. Also called: Neoplastic Syndromes, Hereditary; Hereditary Cancer Syndrome; Tumor predisposition; Hereditary neoplastic syndrome. Identifiers: Orphanet 140162, MedGen C0027672, MeSH D009386, MONDO:0015356.
Tuberous sclerosis 2 (TSC2). Identifiers: Orphanet 805, MedGen C1860707, MONDO:0013199, OMIM 613254.

Allele frequency attached by ClinVar (database versions not stated): gnomAD exomes below 0.00001.
gnomAD v4.1: 1 of 1,551,272 alleles (0.000064%); highest among the groups gnomAD compares: Non-Finnish European, 0.000087%; no homozygotes.

Submissions (2):

Ambry Genetics
Classification: Uncertain significance for Hereditary cancer-predisposing syndrome. Last evaluated: 2026-07-02. Review status: criteria provided, single submitter. Criteria: Ambry Variant Classification Scheme 2023. Collection method: clinical testing. Allele origin: germline.
Comment: The p.I463N variant (also known as c.1388T>A), located in coding exon 13 of the TSC2 gene, results from a T to A substitution at nucleotide position 1388. The isoleucine at codon 463 is replaced by asparagine, an amino acid with dissimilar properties. This amino acid position is conserved. In addition, the in silico prediction for this alteration is inconclusive. Based on the available evidence, the clinical significance of this variant remains unclear.

Labcorp Genetics (formerly Invitae), Labcorp
Classification: Uncertain significance for Tuberous sclerosis 2. Last evaluated: 2019-10-04. Review status: criteria provided, single submitter. Criteria: Invitae Variant Classification Sherloc (09022015). Collection method: clinical testing. Allele origin: germline.
Comment: In summary, the available evidence is currently insufficient to determine the role of this variant in disease. Therefore, it has been classified as a Variant of Uncertain Significance. Algorithms developed to predict the effect of missense changes on protein structure and function (SIFT, PolyPhen-2, Align-GVGD) all suggest that this variant is likely to be disruptive, but these predictions have not been confirmed by published functional studies and their clinical significance is uncertain. This variant has not been reported in the literature in individuals with TSC2-related conditions. This sequence change replaces isoleucine with asparagine at codon 463 of the TSC2 protein (p.Ile463Asn). The isoleucine residue is highly conserved and there is a large physicochemical difference between isoleucine and asparagine. This variant is not present in population databases (ExAC no frequency).

NM_000548.5(TSC2):c.1388T>A (p.Ile463Asn)

Gene: TSC2 (TSC complex subunit 2; plus strand). Cytogenetic location: 16p13.3.
Variant type: single nucleotide variant.
Coding change: c.1388T>A on transcript NM_000548.5 (MANE Select); coding-DNA position 1388, T replaced by A.
Protein change: p.Ile463Asn; replaces isoleucine 463 with asparagine.
Molecular consequence: missense variant.
Genome position (GRCh38, 1-based): chr16:2,062,998, T>A. VCF-style: chr16-2062998-T-A. GRCh37 (hg19) VCF-style: chr16-2112999-T-A.
Other names: c.1388T>A, p.Ile463Asn (NM_001077183.3, NM_001114382.3, NM_001363528.2 and 3 more transcripts); c.1277T>A, p.Ile426Asn (NM_001318827.2); c.1241T>A, p.Ile414Asn (NM_001318829.2); c.788T>A, p.Ile263Asn (NM_001318831.2); c.1421T>A, p.Ile474Asn (NM_001318832.2); short protein forms I463N, I474N, I263N, I414N, I426N.
Identifiers: ClinVar variation 937992 (VCV000937992.10), dbSNP rs1060500940, ClinGen allele CA394323749.
Genomic context (GRCh38, chr16:2,062,998, plus strand): 5'-TCCCCACCCGCCCCAGCAGGCTGCCGTCCCGCAGGAGCGAGTCCCGAGGCGCCGTGCGCA[T>A]CAAGGTGCTGGACGTGCTGTCCTTTGTGCTGCTCATCAACAGGCAGTTCTATGAGGTGCG-3'
Protein context (NP_000539.2, residues 453-473): FRSESRGAVR[Ile463Asn]KVLDVLSFVL